The following is an entry in ClinVar:

ClinVar aggregate classification (germline): Uncertain significance (1 of 4 stars; one submission).

gnomAD v4.1: 1 of 1,608,430 alleles (0.000062%); highest among the groups gnomAD compares: Non-Finnish European, 0.000085%; no homozygotes.

Submission:

GeneDx
Classification: Uncertain significance. Last evaluated: 2026-03-21. Review status: criteria provided, single submitter. Criteria: GeneDx Variant Classification Process June 2021. Collection method: clinical testing. Allele origin: germline.
Comment: Not observed at significant frequency in large population cohorts (gnomAD); In silico analysis suggests that this missense variant does not alter protein structure/function; Has not been previously published as pathogenic or benign to our knowledge

NM_001366145.2(TRPM3):c.4000A>C (p.Thr1334Pro)

Genes: KLF9-DT (KLF9 divergent transcript; plus strand), TRPM3 (transient receptor potential cation channel subfamily M member 3; minus strand). Cytogenetic location: 9q21.12.
Variant type: single nucleotide variant.
Coding change: c.4000A>C on transcript NM_001366145.2 (MANE Select); coding-DNA position 4000, A replaced by C.
Protein change: p.Thr1334Pro; replaces threonine 1334 with proline.
Molecular consequence: missense variant. On other transcripts: intron variant (8).
Genome position (GRCh38, 1-based): chr9:70,537,113, T>G on the plus strand (A>C on the coding strand, the complement: TRPM3 is on the minus strand). VCF-style: chr9-70537113-T-G. GRCh37 (hg19) VCF-style: chr9-73152029-T-G.
Other names: c.3964A>C, p.Thr1322Pro (NM_001007471.4); c.3970A>C, p.Thr1324Pro (NM_001366141.2, NM_001366149.2); c.4075A>C, p.Thr1359Pro (NM_001366147.2); c.3505A>C, p.Thr1169Pro (NM_020952.6); c.3541A>C, p.Thr1181Pro (NM_024971.7); c.3475A>C, p.Thr1159Pro (NM_206944.5); c.3511A>C, p.Thr1171Pro (NM_206945.5); c.3580A>C, p.Thr1194Pro (NM_206946.5); and 9 more; short protein forms T1359P, T1169P, T1194P, T1322P, T1324P, T1334P, T1171P, T1184P.
Identifiers: ClinVar variation 5009541 (VCV005009541.1).